The following is an entry in ClinVar:

ClinVar aggregate classification (germline): Uncertain significance (1 of 4 stars; one submission).

Conditions:
Early onset severe obesity. Identifiers: MedGen C4013980.

Submission:

Cambridge Genomics Laboratory, East Genomic Laboratory Hub, NHS Genomic Medicine Service
Classification: Uncertain significance for Severe early-onset obesity. Last evaluated: 2025-04-24. Review status: criteria provided, single submitter. Criteria: ACGS Best Practice Guidelines for Variant Classification in Rare Disease 2020. Collection method: clinical testing. Allele origin: germline. Affected: yes.
Comment: The rare missense variant c.209C>A p.(Ala70Asp) in MC4R gene has been reported as a variant which has slight impact on plasma memebrane expression (Brouwers et al. 2021, Cell Rep 34:108862). The variant located on topological domain of the protein. The patient's phenotype and family history is highly specific for a disease caused by variants in this gene.

NM_005912.3(MC4R):c.209C>A (p.Ala70Asp)

Gene: MC4R (melanocortin 4 receptor; minus strand). Cytogenetic location: 18q21.32.
Variant type: single nucleotide variant.
Coding change: c.209C>A on transcript NM_005912.3 (MANE Select); coding-DNA position 209, C replaced by A.
Protein change: p.Ala70Asp; replaces alanine 70 with aspartic acid.
Molecular consequence: missense variant.
Genome position (GRCh38, 1-based): chr18:60,372,141, G>T on the plus strand (C>A on the coding strand, the complement: MC4R is on the minus strand). VCF-style: chr18-60372141-G-T. GRCh37 (hg19) VCF-style: chr18-58039374-G-T.
Other names: short protein forms A70D.
Identifiers: ClinVar variation 4812848 (VCV004812848.1).